The following is an entry in ClinVar:

NM_016169.4(SUFU):c.524A>G (p.Gln175Arg)

Gene: SUFU (SUFU negative regulator of hedgehog signaling; plus strand). Cytogenetic location: 10q24.32.
Variant type: single nucleotide variant.
Coding change: c.524A>G on transcript NM_016169.4 (MANE Select); coding-DNA position 524, A replaced by G.
Protein change: p.Gln175Arg; replaces glutamine 175 with arginine.
Molecular consequence: missense variant.
Genome position (GRCh38, 1-based): chr10:102,592,651, A>G. VCF-style: chr10-102592651-A-G. GRCh37 (hg19) VCF-style: chr10-104352408-A-G.
Other names: c.524A>G, p.Gln175Arg (NM_001178133.2); short protein forms Q175R.
Identifiers: ClinVar variation 4791053 (VCV004791053.2).

ClinVar aggregate classification (germline): Uncertain significance. Review status: criteria provided, multiple submitters, no conflicts (2 of 4 stars). 2 submissions from 2 submitters: Uncertain significance (2). Last evaluated 2026-01-04.

Conditions:
Hereditary cancer-predisposing syndrome. Also called: Neoplastic Syndromes, Hereditary; Hereditary neoplastic syndrome; Tumor predisposition; Hereditary Cancer Syndrome. Identifiers: Orphanet 140162, MedGen C0027672, MeSH D009386, MONDO:0015356.
Medulloblastoma (MDB). Also called: Medulloblastoma, somatic; MEDULLOBLASTOMA PREDISPOSITION SYNDROME. Identifiers: Orphanet 616, MedGen C0025149, MeSH D008527, MONDO:0007959, OMIM 155255, HP:0002885.
Gorlin syndrome. Also called: Nevoid Basal Cell Carcinoma Syndrome; Basal cell nevus syndrome. Identifiers: Orphanet 377, MedGen C0004779, MONDO:0007187.

Submissions (2):

Ambry Genetics
Classification: Uncertain significance for Hereditary cancer-predisposing syndrome. Last evaluated: 2026-01-04. Review status: criteria provided, single submitter. Criteria: Ambry Variant Classification Scheme 2023. Collection method: clinical testing. Allele origin: germline.
Comment: The p.Q175R variant (also known as c.524A>G), located in coding exon 4 of the SUFU gene, results from an A to G substitution at nucleotide position 524. The glutamine at codon 175 is replaced by arginine, an amino acid with highly similar properties. This amino acid position is conserved. In addition, this alteration is predicted to be deleterious by in silico analysis. Based on the available evidence, the clinical significance of this variant remains unclear.

Labcorp Genetics (formerly Invitae), Labcorp
Classification: Uncertain significance for Gorlin syndrome; Medulloblastoma. Last evaluated: 2025-10-26. Review status: criteria provided, single submitter. Criteria: Invitae Variant Classification Sherloc (09022015). Collection method: clinical testing. Allele origin: germline.
Comment: This sequence change replaces glutamine, which is neutral and polar, with arginine, which is basic and polar, at codon 175 of the SUFU protein (p.Gln175Arg). This variant is not present in population databases (gnomAD no frequency). This variant has not been reported in the literature in individuals affected with SUFU-related conditions. Invitae Evidence Modeling of protein sequence and biophysical properties (such as structural, functional, and spatial information, amino acid conservation, physicochemical variation, residue mobility, and thermodynamic stability) indicates that this missense variant is not expected to disrupt SUFU protein function with a negative predictive value of 80%. In summary, the available evidence is currently insufficient to determine the role of this variant in disease. Therefore, it has been classified as a Variant of Uncertain Significance.